The following is an entry in ClinVar:

NM_173689.7(CRB2):c.3806G>A (p.Arg1269Gln)

Gene: CRB2 (crumbs cell polarity complex component 2; plus strand). Cytogenetic location: 9q33.3.
Variant type: single nucleotide variant.
Coding change: c.3806G>A on transcript NM_173689.7 (MANE Select); coding-DNA position 3806, G replaced by A.
Protein change: p.Arg1269Gln; replaces arginine 1269 with glutamine.
Molecular consequence: missense variant. On other transcripts: non-coding transcript variant (1).
Genome position (GRCh38, 1-based): chr9:123,377,010, G>A. VCF-style: chr9-123377010-G-A. GRCh37 (hg19) VCF-style: chr9-126139289-G-A.
Other names: short protein forms R1269Q.
Identifiers: ClinVar variation 1513470 (VCV001513470.8), dbSNP rs773265852, ClinGen allele CA5232616.

ClinVar aggregate classification (germline): Uncertain significance (1 of 4 stars; one submission).

Allele frequency attached by ClinVar (database versions not stated): gnomAD exomes below 0.00001; ExAC 0.00001.
gnomAD v4.1: 1 of 1,608,382 alleles (0.000062%); highest among the groups gnomAD compares: Non-Finnish European, 0.000085%; no homozygotes.

Submission:

Labcorp Genetics (formerly Invitae), Labcorp
Classification: Uncertain significance. Last evaluated: 2021-02-25. Review status: criteria provided, single submitter. Criteria: Invitae Variant Classification Sherloc (09022015). Collection method: clinical testing. Allele origin: germline.
Comment: This sequence change replaces arginine with glutamine at codon 1269 of the CRB2 protein (p.Arg1269Gln). The arginine residue is highly conserved and there is a small physicochemical difference between arginine and glutamine. This variant is present in population databases (rs773265852, ExAC 0.002%). This variant has not been reported in the literature in individuals with CRB2-related conditions. Advanced modeling of protein sequence and biophysical properties (such as structural, functional, and spatial information, amino acid conservation, physicochemical variation, residue mobility, and thermodynamic stability) performed at Invitae indicates that this missense variant is expected to disrupt CRB2 protein function. In summary, the available evidence is currently insufficient to determine the role of this variant in disease. Therefore, it has been classified as a Variant of Uncertain Significance.